The following is an entry in ClinVar:

ClinVar aggregate classification (germline): Uncertain significance (1 of 4 stars; one submission).

Submission:

Ambry Genetics
Classification: Uncertain significance. Last evaluated: 2023-08-05. Review status: criteria provided, single submitter. Criteria: Ambry Variant Classification Scheme 2023. Collection method: clinical testing. Allele origin: germline.
Comment: The p.M293I variant (also known as c.879G>A), located in coding exon 9 of the BUB1 gene, results from a G to A substitution at nucleotide position 879. The methionine at codon 293 is replaced by isoleucine, an amino acid with highly similar properties. This amino acid position is conserved. In addition, this alteration is predicted to be tolerated by in silico analysis. Since supporting evidence is limited at this time, the clinical significance of this alteration remains unclear.

NM_004336.5(BUB1):c.879G>A (p.Met293Ile)

Gene: BUB1 (BUB1 mitotic checkpoint serine/threonine kinase; minus strand). Cytogenetic location: 2q13.
Variant type: single nucleotide variant.
Coding change: c.879G>A on transcript NM_004336.5 (MANE Select); coding-DNA position 879, G replaced by A.
Protein change: p.Met293Ile; replaces methionine 293 with isoleucine.
Molecular consequence: missense variant.
Genome position (GRCh38, 1-based): chr2:110,666,341, C>T on the plus strand (G>A on the coding strand, the complement: BUB1 is on the minus strand). VCF-style: chr2-110666341-C-T. GRCh37 (hg19) VCF-style: chr2-111423918-C-T.
Other names: c.819G>A, p.Met273Ile (NM_001278616.2); c.879G>A, p.Met293Ile (NM_001278617.2); short protein forms M273I, M293I.
Identifiers: ClinVar variation 2586159 (VCV002586159.2), dbSNP rs2468025960, ClinGen allele CA348216584.